The following is an entry in ClinVar:

NM_001130438.3(SPTAN1):c.2778+5C>G

Gene: SPTAN1 (spectrin alpha, non-erythrocytic 1; plus strand). Cytogenetic location: 9q34.11.
Variant type: single nucleotide variant.
Coding change: c.2778+5C>G on transcript NM_001130438.3 (MANE Select); 5 bases into the intron after coding-DNA position 2778, C replaced by G.
Molecular consequence: intron variant.
Genome position (GRCh38, 1-based): chr9:128,585,970, C>G. VCF-style: chr9-128585970-C-G. GRCh37 (hg19) VCF-style: chr9-131348249-C-G.
Other names: c.2814+5C>G (NM_001375318.1, NM_001375312.2); c.2778+5C>G (NM_001375311.2, NM_001375314.2, NM_001375310.1 and 5 more transcripts).
Identifiers: ClinVar variation 1511515 (VCV001511515.7), dbSNP rs2131196835, ClinGen allele CA2573143923.
Genomic context (GRCh38, chr9:128,585,970, plus strand): 5'-AGAAGGAACCCATTGTGGGCAGCACTGACTATGGCAAGGACGAAGACTCTGCTGAGGTAA[C>G]CAGGCGTGGGAAGCGTCTCACCTGCCAGGGAAGTGGAACAGGGCTTGTACTGAGAAGGAA-3'

ClinVar aggregate classification (germline): Uncertain significance (1 of 4 stars; one submission).

Conditions:
Early-infantile DEE. Also called: Early infantile epileptic encephalopathy; Early infantile epileptic encephalopathy with suppression bursts; Ohtahara syndrome. Identifiers: Orphanet 1934, MedGen C0393706, MONDO:0800491.

Submission:

Labcorp Genetics (formerly Invitae), Labcorp
Classification: Uncertain significance for Early-infantile DEE. Last evaluated: 2022-08-23. Review status: criteria provided, single submitter. Criteria: Invitae Variant Classification Sherloc (09022015). Collection method: clinical testing. Allele origin: germline.
Comment: In summary, the available evidence is currently insufficient to determine the role of this variant in disease. Therefore, it has been classified as a Variant of Uncertain Significance. Variants that disrupt the consensus splice site are a relatively common cause of aberrant splicing (PMID: 17576681, 9536098). Algorithms developed to predict the effect of sequence changes on RNA splicing suggest that this variant is not likely to affect RNA splicing. This sequence change falls in intron 19 of the SPTAN1 gene. It does not directly change the encoded amino acid sequence of the SPTAN1 protein. It affects a nucleotide within the consensus splice site. ClinVar contains an entry for this variant (Variation ID: 1511515). This variant has not been reported in the literature in individuals affected with SPTAN1-related conditions. This variant is not present in population databases (gnomAD no frequency).

Literature cited by the submitters: PubMed 17576681; PubMed 9536098.